The following is an entry in ClinVar:

NM_000038.6(APC):c.540A>G (p.Leu180=)

Gene: APC (APC regulator of Wnt signaling pathway; plus strand). Cytogenetic location: 5q22.2.
Variant type: single nucleotide variant.
Coding change: c.540A>G on transcript NM_000038.6 (MANE Select); coding-DNA position 540, A replaced by G.
Protein change: p.Leu180=; no amino-acid change (leucine 180 retained).
Molecular consequence: synonymous variant. On other transcripts: 5 prime UTR variant (1).
Genome position (GRCh38, 1-based): chr5:112,780,798, A>G. VCF-style: chr5-112780798-A-G. GRCh37 (hg19) VCF-style: chr5-112116495-A-G.
Other names: c.540A>G, p.Leu180= (NM_001127510.3, NM_001354895.2, NM_001354896.2 and 2 more transcripts); c.570A>G, p.Leu190= (NM_001127511.3, NM_001354897.2, NM_001354902.2); c.465A>G, p.Leu155= (NM_001354898.2, NM_001354904.2); c.363A>G, p.Leu121= (NM_001354900.2, NM_001354901.2, NM_001354905.2); c.-496A>G (NM_001354906.2).
Identifiers: ClinVar variation 1162065 (VCV001162065.12), dbSNP rs2149639092, ClinGen allele CA445755482.

ClinVar aggregate classification (germline): Benign/Likely benign. Review status: criteria provided, multiple submitters, no conflicts (2 of 4 stars). 3 submissions from 3 submitters: Benign (1); Likely benign (2). Last evaluated 2024-07-10.

Conditions:
Classic or attenuated familial adenomatous polyposis. Identifiers: MedGen CN372698, MONDO:0021057.
Familial adenomatous polyposis 1 (FAP1). Also called: POLYPOSIS, ADENOMATOUS INTESTINAL; FAMILIAL ADENOMATOUS POLYPOSIS 1, ATTENUATED. Identifiers: MedGen C2713442, MONDO:0021056, OMIM 175100. Disease mechanism: loss of function.

Submissions (3):

Labcorp Genetics (formerly Invitae), Labcorp
Classification: Likely benign for Familial adenomatous polyposis 1. Last evaluated: 2024-07-10. Review status: criteria provided, single submitter. Criteria: Invitae Variant Classification Sherloc (09022015). Collection method: clinical testing. Allele origin: germline.

Myriad Genetics, Inc.
Classification: Benign for Familial adenomatous polyposis 1. Last evaluated: 2024-02-23. Review status: criteria provided, single submitter. Criteria: Myriad Autosomal Dominant, Autosomal Recessive and X-Linked Classification Criteria (2023). Collection method: clinical testing. Allele origin: unknown.
Comment: This variant is considered benign. This variant is a silent/synonymous amino acid change and it is not expected to impact splicing.

All of Us Research Program, National Institutes of Health
Classification: Likely benign for Classic or attenuated familial adenomatous polyposis. Last evaluated: 2023-03-23. Review status: criteria provided, single submitter. Criteria: ACMG Guidelines, 2015. Collection method: clinical testing. Allele origin: germline. Inheritance: Autosomal dominant inheritance. Observed: 1 variant allele, 1 heterozygote.
Comment: This study involves interpretation of variants in research participants for the purpose of population health screening. Participant phenotype was not available at the time of variant classification. Additional details can be found in publication PMID: 35346344, PMCID: PMC8962531